The following is an entry in ClinVar:

NM_006939.4(SOS2):c.908C>T (p.Pro303Leu)

Gene: SOS2 (SOS Ras/Rho guanine nucleotide exchange factor 2; minus strand). Cytogenetic location: 14q21.3.
Variant type: single nucleotide variant.
Coding change: c.908C>T on transcript NM_006939.4 (MANE Select); coding-DNA position 908, C replaced by T.
Protein change: p.Pro303Leu; replaces proline 303 with leucine.
Molecular consequence: missense variant.
Genome position (GRCh38, 1-based): chr14:50,180,633, G>A on the plus strand (C>T on the coding strand, the complement: SOS2 is on the minus strand). VCF-style: chr14-50180633-G-A. GRCh37 (hg19) VCF-style: chr14-50647351-G-A.
Other names: c.908C>T, p.Pro303Leu (NM_001411020.1); short protein forms P303L.
Identifiers: ClinVar variation 2141549 (VCV002141549.4), dbSNP rs1035038219, ClinGen allele CA260706711.

ClinVar aggregate classification (germline): Uncertain significance (1 of 4 stars; one submission).

Conditions:
Noonan syndrome 9 (NS9). Identifiers: Orphanet 648, MedGen C4225282, MONDO:0014691, OMIM 616559.

Submission:

Labcorp Genetics (formerly Invitae), Labcorp
Classification: Uncertain significance for Noonan syndrome 9. Last evaluated: 2022-03-08. Review status: criteria provided, single submitter. Criteria: Invitae Variant Classification Sherloc (09022015). Collection method: clinical testing. Allele origin: germline.
Comment: Advanced modeling of protein sequence and biophysical properties (such as structural, functional, and spatial information, amino acid conservation, physicochemical variation, residue mobility, and thermodynamic stability) performed at Invitae indicates that this missense variant is not expected to disrupt SOS2 protein function. This sequence change replaces proline, which is neutral and non-polar, with leucine, which is neutral and non-polar, at codon 303 of the SOS2 protein (p.Pro303Leu). This variant is not present in population databases (gnomAD no frequency). This variant has not been reported in the literature in individuals affected with SOS2-related conditions. In summary, the available evidence is currently insufficient to determine the role of this variant in disease. Therefore, it has been classified as a Variant of Uncertain Significance.